The following is an entry in ClinVar:

NM_004484.4(GPC3):c.892G>T (p.Glu298Ter)

Gene: GPC3 (glypican 3; minus strand). Cytogenetic location: Xq26.2.
Variant type: single nucleotide variant.
Coding change: c.892G>T on transcript NM_004484.4 (MANE Select); coding-DNA position 892, G replaced by T.
Protein change: p.Glu298Ter; replaces glutamic acid 298 with a stop codon.
Molecular consequence: nonsense.
Genome position (GRCh38, 1-based): chrX:133,753,622, C>A on the plus strand (G>T on the coding strand, the complement: GPC3 is on the minus strand). VCF-style: chrX-133753622-C-A. GRCh37 (hg19) VCF-style: chrX-132887649-C-A.
Other names: c.892G>T, p.Glu298Ter (NM_001164617.2); c.844G>T, p.Glu282Ter (NM_001164618.2); c.730G>T, p.Glu244Ter (NM_001164619.2); c.892G>T (NM_004484.3); short protein forms E244*, E282*, E298*.
Identifiers: ClinVar variation 1074502 (VCV001074502.5), dbSNP rs2124479949, ClinGen allele CA414705368.

ClinVar aggregate classification (germline): Pathogenic. Review status: criteria provided, multiple submitters, no conflicts (2 of 4 stars). 2 submissions from 2 submitters: Pathogenic (2). Last evaluated 2023-06-16.

Conditions:
Wilms tumor 1 (WT1). Also called: Wilms tumor, somatic. Identifiers: Orphanet 654, MedGen CN033288, MONDO:0008679, OMIM 194070.

Submissions (2):

GeneDx
Classification: Pathogenic. Last evaluated: 2023-06-16. Review status: criteria provided, single submitter. Criteria: GeneDx Variant Classification Process June 2021. Collection method: clinical testing. Allele origin: germline. Affected: yes.
Comment: Nonsense variant predicted to result in protein truncation or nonsense mediated decay in a gene for which loss of function is a known mechanism of disease; Not observed at significant frequency in large population cohorts (gnomAD); This variant is associated with the following publications: (PMID: 31304847)

Labcorp Genetics (formerly Invitae), Labcorp
Classification: Pathogenic for Wilms tumor 1. Last evaluated: 2021-08-26. Review status: criteria provided, single submitter. Criteria: Invitae Variant Classification Sherloc (09022015). Collection method: clinical testing. Allele origin: germline.